The following is an entry in ClinVar:

ClinVar aggregate classification (germline): Uncertain significance (1 of 4 stars; one submission).

Conditions:
Hereditary cancer-predisposing syndrome. Also called: Hereditary Cancer Syndrome; Hereditary neoplastic syndrome; Tumor predisposition; Neoplastic Syndromes, Hereditary. Identifiers: Orphanet 140162, MedGen C0027672, MeSH D009386, MONDO:0015356.

Submission:

Ambry Genetics
Classification: Uncertain significance for Hereditary cancer-predisposing syndrome. Last evaluated: 2022-01-13. Review status: criteria provided, single submitter. Criteria: Ambry Variant Classification Scheme 2023. Collection method: clinical testing. Allele origin: germline.
Comment: The c.2408_2413dupACTCTG variant (also known as p.D803_S804dup), located in coding exon 5 of the PALB2 gene, results from an in-frame duplication of ACTCTG at nucleotide positions 2408 to 2413. This results in the duplication of 2 extra residues (DS) between codons 803 and 804. This amino acid region is not well conserved in available vertebrate species. In addition, the in silico prediction for this alteration is inconclusive (Choi Y et al. PLoS ONE. 2012; 7(10):e46688). Since supporting evidence is limited at this time, the clinical significance of this alteration remains unclear.

NM_024675.4(PALB2):c.2408_2413dup (p.Ser804_Val805insAspSer)

Gene: PALB2 (partner and localizer of BRCA2; minus strand). Cytogenetic location: 16p12.2.
Variant type: Duplication.
Coding change: c.2408_2413dup on transcript NM_024675.4 (MANE Select); coding-DNA positions 2408 to 2413, 6 bases duplicated (ACTCTG; older notation c.2408_2413dupACTCTG).
Protein change: p.Ser804_Val805insAspSer.
Molecular consequence: inframe insertion. On other transcripts: inframe indel (18).
Genome position (GRCh38, 1-based): chr16:23,629,741-23,629,746, CAGAGT duplicated on the plus strand (ACTCTG on the coding strand, the reverse complement: PALB2 is on the minus strand); duplicating any 6 consecutive bases within chr16:23,629,741-23,629,748 gives the same sequence; the c. name uses the placement nearest the transcript's 3' end. VCF-style (leftmost placement, unchanged base first): chr16-23629740-A-ACAGAGT. GRCh37 (hg19) VCF-style: chr16-23641061-A-ACAGAGT.
Other names: c.2346_2351dup, p.Ser784_Val785insAspSer (NM_001407296.1); c.2406_2411dup, p.Ser804_Val805insAspSer (NM_001407297.1, NM_001407298.1, NM_001407299.1 and 3 more transcripts); c.1521_1526dup, p.Ser509_Val510insAspSer (NM_001407304.1, NM_001407305.1, NM_001407306.1 and 5 more transcripts); c.618_623dup, p.Ser208_Val209insAspSer (NM_001407312.1, NM_001407313.1); c.2408_2413dupACTCTG (NM_024675.3).
Identifiers: ClinVar variation 1790822 (VCV001790822.2), dbSNP rs2506406901, ClinGen allele CA2580091325.